The following is an entry in ClinVar:

ClinVar aggregate classification (germline): Pathogenic (1 of 4 stars; one submission).

Conditions:
Cockayne spectrum with or without cerebrooculofacioskeletal syndrome. Identifiers: MedGen CN315928, MONDO:0100506.

Submission:

Myriad Genetics, Inc.
Classification: Pathogenic for Cockayne spectrum with or without cerebrooculofacioskeletal syndrome. Last evaluated: 2024-04-09. Review status: criteria provided, single submitter. Criteria: Myriad Autosomal Dominant, Autosomal Recessive and X-Linked Classification Criteria (2023). Collection method: clinical testing. Allele origin: unknown.
Comment: NM_000124.2(ERCC6):c.478C>T(Q160*) is expected to be pathogenic in the context of ERCC6-related disorders. This variant is predicted to lead to an abnormal or absent protein product due to the creation of a premature termination codon in ERCC6, a gene where loss-of-function variants are known to be pathogenic. Please note: this variant was assessed in the context of healthy population screening.

NM_000124.4(ERCC6):c.478C>T (p.Gln160Ter)

Gene: ERCC6 (ERCC excision repair 6, chromatin remodeling factor; minus strand). Cytogenetic location: 10q11.23.
Variant type: single nucleotide variant.
Coding change: c.478C>T on transcript NM_000124.4 (MANE Select); coding-DNA position 478, C replaced by T.
Protein change: p.Gln160Ter; replaces glutamine 160 with a stop codon.
Molecular consequence: nonsense.
Genome position (GRCh38, 1-based): chr10:49,530,785, G>A on the plus strand (C>T on the coding strand, the complement: ERCC6 is on the minus strand). VCF-style: chr10-49530785-G-A. GRCh37 (hg19) VCF-style: chr10-50738831-G-A.
Other names: c.478C>T, p.Gln160Ter (NM_001277058.2, NM_001277059.2, NM_001346440.2); short protein forms Q160*.
Identifiers: ClinVar variation 5012908 (VCV005012908.1).